The following is an entry in ClinVar:

NM_016203.4(PRKAG2):c.541A>C (p.Lys181Gln)

Gene: PRKAG2 (protein kinase AMP-activated non-catalytic subunit gamma 2; minus strand). Cytogenetic location: 7q36.1.
Variant type: single nucleotide variant.
Coding change: c.541A>C on transcript NM_016203.4 (MANE Select); coding-DNA position 541, A replaced by C.
Protein change: p.Lys181Gln; replaces lysine 181 with glutamine.
Molecular consequence: missense variant.
Genome position (GRCh38, 1-based): chr7:151,675,563, T>G on the plus strand (A>C on the coding strand, the complement: PRKAG2 is on the minus strand). VCF-style: chr7-151675563-T-G. GRCh37 (hg19) VCF-style: chr7-151372649-T-G.
Other names: c.409A>C, p.Lys137Gln (NM_001040633.2); c.169A>C, p.Lys57Gln (NM_001304527.2, NM_001363698.2); short protein forms K181Q, K57Q, K137Q.
Identifiers: ClinVar variation 533882 (VCV000533882.17), dbSNP rs765259437, ClinGen allele CA057466.

ClinVar aggregate classification (germline): Uncertain significance. Review status: criteria provided, multiple submitters, no conflicts (2 of 4 stars). 4 submissions from 4 submitters: Uncertain significance (4). Last evaluated 2024-04-08.

Conditions:
Lethal congenital glycogen storage disease of heart. Also called: GLYCOGEN STORAGE DISEASE OF HEART; PHOSPHORYLASE KINASE DEFICIENCY OF HEART. Identifiers: Orphanet 439854, MedGen C1849813, MONDO:0009867, OMIM 261740.
Hypertrophic cardiomyopathy. Also called: HYPERTROPHIC MYOCARDIOPATHY. Identifiers: Orphanet 217569, MedGen C0007194, MeSH D002312, MONDO:0005045, HP:0001639.
Cardiovascular phenotype. Identifiers: MedGen CN230736.
Cardiomyopathy (CMYO). Also called: Cardiomyopathies. Identifiers: Orphanet 167848, MedGen C0878544, MONDO:0004994, HP:0001638. Inheritance: Various modes of inheritance.

Allele frequency attached by ClinVar (database versions not stated): TOPMed below 0.00001; gnomAD 0.00001; gnomAD exomes 0.00001; ExAC 0.00002.
gnomAD v4.1: 5 of 1,613,972 alleles (0.00031%); highest among the groups gnomAD compares: East Asian, 0.011%; no homozygotes.

Submissions (4):

Ambry Genetics
Classification: Uncertain significance for Cardiovascular phenotype. Last evaluated: 2024-04-08. Review status: criteria provided, single submitter. Criteria: Ambry Variant Classification Scheme 2023. Collection method: clinical testing. Allele origin: germline.
Comment: The p.K181Q variant (also known as c.541A>C), located in coding exon 4 of the PRKAG2 gene, results from an A to C substitution at nucleotide position 541. The lysine at codon 181 is replaced by glutamine, an amino acid with similar properties. This amino acid position is conserved. In addition, this alteration is predicted to be tolerated by in silico analysis. Based on the available evidence, the clinical significance of this variant remains unclear.

Color Diagnostics, LLC DBA Color Health
Classification: Uncertain significance for Cardiomyopathy. Last evaluated: 2024-03-06. Review status: criteria provided, single submitter. Criteria: ACMG Guidelines, 2015. Collection method: clinical testing. Allele origin: germline.
Comment: This missense variant replaces lysine with glutamine at codon 181 of the PRKAG2 protein. Computational prediction suggests that this variant may not impact protein structure and function (internally defined REVEL score threshold <= 0.5, PMID: 27666373). To our knowledge, functional studies have not been reported for this variant. This variant has not been reported in individuals affected with PRKAG2-related disorders in the literature. This variant has been identified in 4/282882 chromosomes in the general population by the Genome Aggregation Database (gnomAD). The available evidence is insufficient to determine the role of this variant in disease conclusively. Therefore, this variant is classified as a Variant of Uncertain Significance.

All of Us Research Program, National Institutes of Health
Classification: Uncertain significance for Hypertrophic cardiomyopathy. Last evaluated: 2023-12-01. Review status: criteria provided, single submitter. Criteria: ACMG Guidelines, 2015. Collection method: clinical testing. Allele origin: germline. Inheritance: Autosomal dominant inheritance. Observed: 2 variant alleles, 2 heterozygotes.
Comment: Variant of Uncertain Significance due to insufficient evidence: This missense variant replaces lysine with glutamine at codon 181 of the PRKAG2 protein. Computational prediction tools and conservation analyses suggest that this variant may not impact the protein function. Computational splicing tools suggest that this variant may not impact RNA splicing. To our knowledge, functional assays have not been performed for this variant nor has this variant been reported in individuals affected with cardiovascular disorders in the literature. This variant has been identified in 3/277234 chromosomes in the general population by the Genome Aggregation Database (gnomAD). Available evidence is insufficient to determine the pathogenicity of this variant conclusively.

This study involves interpretation of variants in research participants for the purpose of population health screening. Participant phenotype was not available at the time of variant classification. Additional details can be found in publication PMID: 35346344, PMCID: PMC8962531

Labcorp Genetics (formerly Invitae), Labcorp
Classification: Uncertain significance for Lethal congenital glycogen storage disease of heart. Last evaluated: 2019-07-22. Review status: criteria provided, single submitter. Criteria: Invitae Variant Classification Sherloc (09022015). Collection method: clinical testing. Allele origin: germline.
Comment: In summary, the available evidence is currently insufficient to determine the role of this variant in disease. Therefore, it has been classified as a Variant of Uncertain Significance. Algorithms developed to predict the effect of sequence changes on RNA splicing suggest that this variant may create or strengthen a splice site, but this prediction has not been confirmed by published transcriptional studies. Algorithms developed to predict the effect of missense changes on protein structure and function output the following: SIFT: "Tolerated"; PolyPhen-2: "Benign"; Align-GVGD: "Class C0". The glutamine amino acid residue is found in multiple mammalian species, suggesting that this missense change does not adversely affect protein function. These predictions have not been confirmed by published functional studies and their clinical significance is uncertain. This variant has not been reported in the literature in individuals with PRKAG2-related disease. This variant is present in population databases (rs765259437, ExAC 0.02%). This sequence change replaces lysine with glutamine at codon 181 of the PRKAG2 protein (p.Lys181Gln). The lysine residue is weakly conserved and there is a small physicochemical difference between lysine and glutamine.